The following is an entry in ClinVar:

NM_006361.6(HOXB13):c.327C>G (p.Tyr109Ter)

Gene: HOXB13 (homeobox B13; minus strand). Cytogenetic location: 17q21.32.
Variant type: single nucleotide variant.
Coding change: c.327C>G on transcript NM_006361.6 (MANE Select); coding-DNA position 327, C replaced by G.
Protein change: p.Tyr109Ter; replaces tyrosine 109 with a stop codon.
Molecular consequence: nonsense.
Genome position (GRCh38, 1-based): chr17:48,728,267, G>C on the plus strand (C>G on the coding strand, the complement: HOXB13 is on the minus strand). VCF-style: chr17-48728267-G-C. GRCh37 (hg19) VCF-style: chr17-46805629-G-C.
Other names: short protein forms Y109*.
Identifiers: ClinVar variation 823391 (VCV000823391.16), dbSNP rs749101324, ClinGen allele CA8634012.
Genomic context (GRCh38, chr17:48,728,267, plus strand): 5'-GAAGGCAAACTCAGTGGGGCGGCTGGGGTACTCTTCCCCGGCCGTGGGAGTCTCCGCGGG[G>C]TACGCGGCCAGGGTGGCTGCCTGGGCACAGGGTTTCAGCGAGCTCCGGGACACTCGGCAG-3'

ClinVar aggregate classification (germline): Uncertain significance. Review status: criteria provided, multiple submitters, no conflicts (2 of 4 stars). 4 submissions from 4 submitters: Uncertain significance (4). Last evaluated 2025-12-31.

Conditions:
Hereditary cancer-predisposing syndrome. Also called: Tumor predisposition; Hereditary neoplastic syndrome; Neoplastic Syndromes, Hereditary; Hereditary Cancer Syndrome. Identifiers: Orphanet 140162, MedGen C0027672, MeSH D009386, MONDO:0015356.

Allele frequency attached by ClinVar (database versions not stated): gnomAD 0.00001; gnomAD exomes 0.00001 and 0.00002; ExAC 0.00002; TOPMed 0.00002.
gnomAD v4.1: 14 of 1,614,084 alleles (0.00087%); highest among the groups gnomAD compares: Non-Finnish European, 0.0012%; no homozygotes.

Submissions (4):

Labcorp Genetics (formerly Invitae), Labcorp
Classification: Uncertain significance. Last evaluated: 2025-12-31. Review status: criteria provided, single submitter. Criteria: Invitae Variant Classification Sherloc (09022015). Collection method: clinical testing. Allele origin: germline.
Comment: This sequence change creates a premature translational stop signal (p.Tyr109*) in the HOXB13 gene. It is expected to result in an absent or disrupted protein product. However, the current clinical and genetic evidence is not sufficient to establish whether loss-of-function variants in HOXB13 cause disease. This variant is present in population databases (rs749101324, gnomAD 0.002%). This premature translational stop signal has been observed in individual(s) with prostate cancer (PMID: 32338768). ClinVar contains an entry for this variant (Variation ID: 823391). In summary, the available evidence is currently insufficient to determine the role of this variant in disease. Therefore, it has been classified as a Variant of Uncertain Significance.

Ambry Genetics
Classification: Uncertain significance for Hereditary cancer-predisposing syndrome. Last evaluated: 2025-09-29. Review status: criteria provided, single submitter. Criteria: Ambry Variant Classification Scheme 2023. Collection method: clinical testing. Allele origin: germline.
Comment: The p.Y109* variant (also known as c.327C>G), located in coding exon 1 of the HOXB13 gene, results from a C to G substitution at nucleotide position 327. This changes the amino acid from a tyrosine to a stop codon within coding exon 1. This alteration is expected to result in protein truncation or nonsense-mediated mRNA decay. However, loss of function of HOXB13 has not been established as a mechanism of disease. Based on the available evidence, the clinical significance of this alteration remains unclear.

GeneDx
Classification: Uncertain significance. Last evaluated: 2023-08-21. Review status: criteria provided, single submitter. Criteria: GeneDx Variant Classification Process June 2021. Collection method: clinical testing. Allele origin: germline. Affected: yes.
Comment: Nonsense variant predicted to result in protein truncation or nonsense mediated decay, but clinical significance is uncertain; Not observed at significant frequency in large population cohorts (gnomAD); Observed in individuals with prostate cancer (Nguyen-Dumont et al., 2020; Nguyen-Dumont et al., 2021); This variant is associated with the following publications: (PMID: 32338768, 33804961)

Blueprint Genetics
Classification: Uncertain significance. Last evaluated: 2021-12-28. Review status: criteria provided, single submitter. Criteria: ACMG Guidelines, 2015. Collection method: clinical testing. Allele origin: germline.

Literature cited by the submitters: PubMed 32338768 (cited by Labcorp Genetics (formerly Invitae), Labcorp).